The following is an entry in ClinVar:

NM_032043.3(BRIP1):c.1260T>C (p.Asp420=)

Gene: BRIP1 (BRCA1 interacting DNA helicase 1; minus strand). Cytogenetic location: 17q23.2.
Variant type: single nucleotide variant.
Coding change: c.1260T>C on transcript NM_032043.3 (MANE Select); coding-DNA position 1260, T replaced by C.
Protein change: p.Asp420=; no amino-acid change (aspartic acid 420 retained).
Molecular consequence: synonymous variant.
Genome position (GRCh38, 1-based): chr17:61,799,180, A>G on the plus strand (T>C on the coding strand, the complement: BRIP1 is on the minus strand). VCF-style: chr17-61799180-A-G. GRCh37 (hg19) VCF-style: chr17-59876541-A-G.
Identifiers: ClinVar variation 1763122 (VCV001763122.3), dbSNP rs2145304140, ClinGen allele CA501151513.
Genomic context (GRCh38, chr17:61,799,180, plus strand): 5'-AGCTCGTAGGGGTTCATGATCTTTCTTCCTTATATTATTGTTGACCATACTATCTAGTTC[A>G]TCCCGAGCAAACCGAAGCTGAACTTCTGTTACACTGTAACTTGCTGATTCCCGAGCACAG-3'
Protein context (NP_114432.2, residues 410-430): VTEVQLRFAR[Asp420=]ELDSMVNNNI

ClinVar aggregate classification (germline): Benign/Likely benign. Review status: criteria provided, multiple submitters, no conflicts (2 of 4 stars). 2 submissions from 2 submitters: Benign (1); Likely benign (1). Last evaluated 2024-08-26.

Conditions:
Hereditary cancer-predisposing syndrome. Also called: Neoplastic Syndromes, Hereditary; Tumor predisposition; Hereditary Cancer Syndrome; Hereditary neoplastic syndrome. Identifiers: Orphanet 140162, MedGen C0027672, MeSH D009386, MONDO:0015356.
Familial cancer of breast. Also called: hereditary breast carcinoma; BREAST CANCER, FAMILIAL; Hereditary breast cancer. Identifiers: Orphanet 227535, MedGen C0346153, MONDO:0016419, OMIM 114480. Disease mechanism: loss of function.

Allele frequency attached by ClinVar (database versions not stated): gnomAD exomes below 0.00001.
gnomAD v4.1: 1 of 1,613,748 alleles (0.000062%); highest among the groups gnomAD compares: Non-Finnish European, 0.000085%; no homozygotes.

Submissions (2):

Myriad Genetics, Inc.
Classification: Benign for Familial cancer of breast. Last evaluated: 2024-08-26. Review status: criteria provided, single submitter. Criteria: Myriad Autosomal Dominant, Autosomal Recessive and X-Linked Classification Criteria (2023). Collection method: clinical testing. Allele origin: unknown.
Comment: This variant is considered benign. This variant is a silent/synonymous amino acid change and it is not expected to impact splicing.

Ambry Genetics
Classification: Likely benign for Hereditary cancer-predisposing syndrome. Last evaluated: 2021-08-08. Review status: criteria provided, single submitter. Criteria: Ambry Variant Classification Scheme 2023. Collection method: clinical testing. Allele origin: germline.